The following is an entry in ClinVar:

ClinVar aggregate classification (germline): Uncertain significance. Review status: criteria provided, multiple submitters, no conflicts (2 of 4 stars). 2 submissions from 2 submitters: Uncertain significance (2). Last evaluated 2025-12-15.

Conditions:
Inborn genetic diseases. Identifiers: MedGen C0950123, MeSH D030342.

Allele frequency attached by ClinVar (database versions not stated): gnomAD 0.00001; TOPMed 0.00002; ExAC 0.00004.
gnomAD v4.1: 31 of 1,559,522 alleles (0.002%); highest among the groups gnomAD compares: African/African-American, 0.0041%; no homozygotes.

Submissions (2):

Ambry Genetics
Classification: Uncertain significance for Inborn genetic diseases. Last evaluated: 2025-12-15. Review status: criteria provided, single submitter. Criteria: Ambry Variant Classification Scheme 2023. Collection method: clinical testing. Allele origin: germline.

Labcorp Genetics (formerly Invitae), Labcorp
Classification: Uncertain significance. Last evaluated: 2025-06-19. Review status: criteria provided, single submitter. Criteria: Invitae Variant Classification Sherloc (09022015). Collection method: clinical testing. Allele origin: germline.
Comment: This sequence change replaces arginine, which is basic and polar, with cysteine, which is neutral and slightly polar, at codon 564 of the MMP14 protein (p.Arg564Cys). This variant is present in population databases (rs369565852, gnomAD 0.005%). This variant has not been reported in the literature in individuals affected with MMP14-related conditions. ClinVar contains an entry for this variant (Variation ID: 2883948). An algorithm developed to predict the effect of missense changes on protein structure and function (PolyPhen-2) suggests that this variant is likely to be disruptive. In summary, the available evidence is currently insufficient to determine the role of this variant in disease. Therefore, it has been classified as a Variant of Uncertain Significance.

NM_004995.4(MMP14):c.1690C>T (p.Arg564Cys)

Gene: MMP14 (matrix metallopeptidase 14; plus strand). Cytogenetic location: 14q11.2.
Variant type: single nucleotide variant.
Coding change: c.1690C>T on transcript NM_004995.4 (MANE Select); coding-DNA position 1690, C replaced by T.
Protein change: p.Arg564Cys; replaces arginine 564 with cysteine.
Molecular consequence: missense variant.
Genome position (GRCh38, 1-based): chr14:22,845,980, C>T. VCF-style: chr14-22845980-C-T. GRCh37 (hg19) VCF-style: chr14-23315189-C-T.
Other names: c.1690C>T (NM_004995.2); short protein forms R564C.
Identifiers: ClinVar variation 2883948 (VCV002883948.4), dbSNP rs369565852, ClinGen allele CA7105545.